The following is an entry in ClinVar:

ClinVar aggregate classification (germline): Uncertain significance (1 of 4 stars; one submission).

gnomAD v4.1: 1 of 1,610,574 alleles (0.000062%); highest among the groups gnomAD compares: Non-Finnish European, 0.000085%; no homozygotes.

Submission:

Labcorp Genetics (formerly Invitae), Labcorp
Classification: Uncertain significance. Last evaluated: 2024-03-26. Review status: criteria provided, single submitter. Criteria: Invitae Variant Classification Sherloc (09022015). Collection method: clinical testing. Allele origin: germline.
Comment: This sequence change replaces glutamic acid, which is acidic and polar, with glycine, which is neutral and non-polar, at codon 640 of the KIF20A protein (p.Glu640Gly). This variant is present in population databases (rs755459297, gnomAD 0.0009%). This variant has not been reported in the literature in individuals affected with KIF20A-related conditions. An algorithm developed to predict the effect of missense changes on protein structure and function (PolyPhen-2) suggests that this variant is likely to be disruptive. In summary, the available evidence is currently insufficient to determine the role of this variant in disease. Therefore, it has been classified as a Variant of Uncertain Significance.

NM_005733.3(KIF20A):c.1919A>G (p.Glu640Gly)

Gene: KIF20A (kinesin family member 20A; plus strand). Cytogenetic location: 5q31.2.
Variant type: single nucleotide variant.
Coding change: c.1919A>G on transcript NM_005733.3 (MANE Select); coding-DNA position 1919, A replaced by G.
Protein change: p.Glu640Gly; replaces glutamic acid 640 with glycine.
Molecular consequence: missense variant.
Genome position (GRCh38, 1-based): chr5:138,185,190, A>G. VCF-style: chr5-138185190-A-G. GRCh37 (hg19) VCF-style: chr5-137520879-A-G.
Other names: short protein forms E640G.
Identifiers: ClinVar variation 3702135 (VCV003702135.2).